The following is an entry in ClinVar:

ClinVar aggregate classification (germline): Uncertain significance. Review status: criteria provided, multiple submitters, no conflicts (2 of 4 stars). 9 submissions from 8 submitters: Uncertain significance (8). 1 of the submissions does not count toward it. Last evaluated 2026-07-16.

Conditions:
USH2A-related disorder. Also called: USH2A-related disorders; USH2A-related condition. Identifiers: MedGen CN239332.
Usher syndrome type 2A. Also called: USHER SYNDROME, TYPE IIA; RETINAL DISEASE IN USHER SYNDROME TYPE IIA, MODIFIER OF. Identifiers: Orphanet 231178, Orphanet 886, MedGen C1848634, MONDO:0010169, OMIM 276901.
Retinitis pigmentosa 39 (RP39). Identifiers: Orphanet 791, MedGen C3151138, MONDO:0013436, OMIM 613809.

Allele frequency attached by ClinVar (database versions not stated): ExAC 0.00004; gnomAD exomes 0.00005; gnomAD 0.00006; TOPMed 0.00008.
gnomAD v4.1: 255 of 1,613,110 alleles (0.016%); highest among the groups gnomAD compares: Non-Finnish European, 0.02%; no homozygotes.

Submissions (9):

PreventionGenetics, part of Exact Sciences
Classification: Uncertain significance for USH2A-related condition. Last evaluated: 2026-07-16. Review status: criteria provided, single submitter. Criteria: ACMG Guidelines, 2015. Collection method: clinical testing. Allele origin: germline.
Comment: The USH2A c.586C>T variant is predicted to result in the amino acid substitution p.Pro196Ser. To our knowledge, this variant has not been reported in the literature. This variant is reported in 0.0085% of alleles in individuals of European (Non-Finnish) descent in gnomAD. At this time, the clinical significance of this variant is uncertain due to the absence of conclusive functional and genetic evidence.

Blueprint Genetics
Classification: Uncertain significance. Last evaluated: 2024-08-23. Review status: criteria provided, single submitter. Criteria: ACMG Guidelines, 2015. Collection method: clinical testing. Allele origin: germline.

Genome-Nilou Lab
Classification: Uncertain significance for Retinitis pigmentosa 39. Last evaluated: 2023-11-04. Review status: criteria provided, single submitter. Criteria: ACMG Guidelines, 2015. Collection method: clinical testing. Allele origin: germline. Affected: no.

Genome-Nilou Lab
Classification: Uncertain significance for Usher syndrome type 2A. Last evaluated: 2023-11-04. Review status: criteria provided, single submitter. Criteria: ACMG Guidelines, 2015. Collection method: clinical testing. Allele origin: germline. Affected: no.

Labcorp Genetics (formerly Invitae), Labcorp
Classification: Uncertain significance. Last evaluated: 2022-10-13. Review status: criteria provided, single submitter. Criteria: Invitae Variant Classification Sherloc (09022015). Collection method: clinical testing. Allele origin: germline.
Comment: This sequence change replaces proline, which is neutral and non-polar, with serine, which is neutral and polar, at codon 196 of the USH2A protein (p.Pro196Ser). This variant is present in population databases (rs756041909, gnomAD 0.008%). This variant has not been reported in the literature in individuals affected with USH2A-related conditions. ClinVar contains an entry for this variant (Variation ID: 498472). Advanced modeling of protein sequence and biophysical properties (such as structural, functional, and spatial information, amino acid conservation, physicochemical variation, residue mobility, and thermodynamic stability) performed at Invitae indicates that this missense variant is not expected to disrupt USH2A protein function. In summary, the available evidence is currently insufficient to determine the role of this variant in disease. Therefore, it has been classified as a Variant of Uncertain Significance.

Fulgent Genetics
Classification: Uncertain significance for Usher syndrome type 2A; Retinitis pigmentosa 39. Last evaluated: 2021-07-27. Review status: criteria provided, single submitter. Criteria: ACMG Guidelines, 2015. Collection method: clinical testing. Allele origin: unknown.

Laboratory for Molecular Medicine, Mass General Brigham Personalized Medicine
Classification: Uncertain significance. Last evaluated: 2018-10-24. Review status: criteria provided, single submitter. Criteria: LMM Criteria. Collection method: clinical testing. Allele origin: germline. Observed: 1 variant allele.
Comment: The p.Pro196Ser variant in USH2A has not been previously reported in individuals with hearing loss or Usher syndrome, but was identified in 0.008% (11/128782) o f European chromosomes by gnomAD. This varian t has been reported in ClinVar (Variation ID 498472). Computational prediction t ools and conservation analysis do not provide strong support for or against an i mpact to the protein. In summary, the clinical significance of this variant is u ncertain. ACMG/AMP Criteria applied: PM2_Supporting.

Eurofins Ntd Llc (ga)
Classification: Uncertain significance. Last evaluated: 2016-12-16. Review status: criteria provided, single submitter. Criteria: EGL Classification Definitions 2015. Collection method: clinical testing. Allele origin: germline. Observed: 1 variant allele, 1 heterozygote.

Natera, Inc.
Classification: Uncertain significance for Usher syndrome type 2A. Last evaluated: 2020-09-16. Review status: no assertion criteria provided. Collection method: clinical testing. Allele origin: germline. Not counted in ClinVar's aggregate classification.

NM_206933.4(USH2A):c.586C>T (p.Pro196Ser)

Gene: USH2A (usherin; minus strand). Cytogenetic location: 1q41.
Variant type: single nucleotide variant.
Coding change: c.586C>T on transcript NM_206933.4 (MANE Select); coding-DNA position 586, C replaced by T.
Protein change: p.Pro196Ser; replaces proline 196 with serine.
Molecular consequence: missense variant.
Genome position (GRCh38, 1-based): chr1:216,418,579, G>A on the plus strand (C>T on the coding strand, the complement: USH2A is on the minus strand). VCF-style: chr1-216418579-G-A. GRCh37 (hg19) VCF-style: chr1-216591921-G-A.
Other names: c.586C>T, p.Pro196Ser (NM_007123.6); short protein forms P196S.
Identifiers: ClinVar variation 498472 (VCV000498472.17), dbSNP rs756041909, ClinGen allele CA1396746.